The following is an entry in ClinVar:

ClinVar aggregate classification (germline): Uncertain significance (1 of 4 stars; one submission).

gnomAD v4.1: 2 of 1,614,040 alleles (0.00012%); highest among the groups gnomAD compares: Admixed American, 0.0017%; no homozygotes.

Submission:

GeneDx
Classification: Uncertain significance. Last evaluated: 2025-03-16. Review status: criteria provided, single submitter. Criteria: GeneDx Variant Classification Process June 2021. Collection method: clinical testing. Allele origin: germline. Affected: yes.
Comment: Not observed at significant frequency in large population cohorts (gnomAD); In silico analysis indicates that this missense variant does not alter protein structure/function; Has not been previously published as pathogenic or benign to our knowledge

NM_004415.4(DSP):c.3106G>A (p.Val1036Ile)

Gene: DSP (desmoplakin; plus strand). Cytogenetic location: 6p24.3.
Variant type: single nucleotide variant.
Coding change: c.3106G>A on transcript NM_004415.4 (MANE Select); coding-DNA position 3106, G replaced by A.
Protein change: p.Val1036Ile; replaces valine 1036 with isoleucine.
Molecular consequence: missense variant.
Genome position (GRCh38, 1-based): chr6:7,579,296, G>A. VCF-style: chr6-7579296-G-A. GRCh37 (hg19) VCF-style: chr6-7579529-G-A.
Other names: c.3106G>A, p.Val1036Ile (NM_001008844.3, NM_001319034.2); short protein forms V1036I.
Identifiers: ClinVar variation 4086510 (VCV004086510.1).
Genomic context (GRCh38, chr6:7,579,296, plus strand): 5'-TGTTTTTCTTTTGACATAATCTCTGATTTCATTCCACAGCTGAAAAATACCAAGATCGAA[G>A]TTTTGGAAGAGGAGCTCAGACTGGCCCGAGATGCCAACTCGGAAAACTGTAATAAGAACA-3'
Protein context (NP_004406.2, residues 1026-1046): DLKLKNTKIE[Val1036Ile]LEEELRLARD